The following is an entry in ClinVar:

NM_000143.4(FH):c.469A>G (p.Ile157Val)

Gene: FH (fumarate hydratase; minus strand). Cytogenetic location: 1q43.
Variant type: single nucleotide variant.
Coding change: c.469A>G on transcript NM_000143.4 (MANE Select); coding-DNA position 469, A replaced by G.
Protein change: p.Ile157Val; replaces isoleucine 157 with valine.
Molecular consequence: missense variant.
Genome position (GRCh38, 1-based): chr1:241,512,053, T>C on the plus strand (A>G on the coding strand, the complement: FH is on the minus strand). VCF-style: chr1-241512053-T-C. GRCh37 (hg19) VCF-style: chr1-241675353-T-C.
Other names: short protein forms I157V.
Identifiers: ClinVar variation 937464 (VCV000937464.8), dbSNP rs778399986, ClinGen allele CA1478677.

ClinVar aggregate classification (germline): Uncertain significance. Review status: criteria provided, multiple submitters, no conflicts (2 of 4 stars). 2 submissions from 2 submitters: Uncertain significance (2). Last evaluated 2025-07-20.

Conditions:
Hereditary cancer-predisposing syndrome. Also called: Tumor predisposition; Hereditary neoplastic syndrome; Hereditary Cancer Syndrome; Neoplastic Syndromes, Hereditary. Identifiers: Orphanet 140162, MedGen C0027672, MeSH D009386, MONDO:0015356.

Allele frequency attached by ClinVar (database versions not stated): gnomAD exomes below 0.00001; TOPMed below 0.00001; ExAC 0.00001.
gnomAD v4.1: 1 of 1,613,980 alleles (0.000062%); highest among the groups gnomAD compares: African/African-American, 0.0013%; no homozygotes.

Submissions (2):

Labcorp Genetics (formerly Invitae), Labcorp
Classification: Uncertain significance. Last evaluated: 2025-07-20. Review status: criteria provided, single submitter. Criteria: Invitae Variant Classification Sherloc (09022015). Collection method: clinical testing. Allele origin: germline.
Comment: This sequence change replaces isoleucine, which is neutral and non-polar, with valine, which is neutral and non-polar, at codon 157 of the FH protein (p.Ile157Val). This variant is present in population databases (rs778399986, gnomAD 0.007%). This variant has not been reported in the literature in individuals affected with FH-related conditions. ClinVar contains an entry for this variant (Variation ID: 937464). Invitae Evidence Modeling of protein sequence and biophysical properties (such as structural, functional, and spatial information, amino acid conservation, physicochemical variation, residue mobility, and thermodynamic stability) has been performed for this missense variant. However, the output from this modeling did not meet the statistical confidence thresholds required to predict the impact of this variant on FH protein function. In summary, the available evidence is currently insufficient to determine the role of this variant in disease. Therefore, it has been classified as a Variant of Uncertain Significance.

Ambry Genetics
Classification: Uncertain significance for Hereditary cancer-predisposing syndrome. Last evaluated: 2024-11-07. Review status: criteria provided, single submitter. Criteria: Ambry Variant Classification Scheme 2023. Collection method: clinical testing. Allele origin: germline.
Comment: The p.I157V variant (also known as c.469A>G), located in coding exon 4 of the FH gene, results from an A to G substitution at nucleotide position 469. The isoleucine at codon 157 is replaced by valine, an amino acid with highly similar properties. This amino acid position is highly conserved in available vertebrate species. In addition, this alteration is predicted to be deleterious by in silico analysis. Based on the available evidence, the clinical significance of this variant remains unclear.